The following is an entry in ClinVar:

NM_000742.4(CHRNA2):c.-448G>A

Gene: CHRNA2 (cholinergic receptor nicotinic alpha 2 subunit; minus strand). Cytogenetic location: 8p21.2.
Variant type: single nucleotide variant.
Coding change: c.-448G>A on transcript NM_000742.4 (MANE Select); 448 bases upstream of the start codon, G replaced by A.
Molecular consequence: 5 prime UTR variant.
Genome position (GRCh38, 1-based): chr8:27,479,135, C>T on the plus strand (G>A on the coding strand, the complement: CHRNA2 is on the minus strand). VCF-style: chr8-27479135-C-T. GRCh37 (hg19) VCF-style: chr8-27336652-C-T.
Other names: c.-448G>A (NM_001282455.2); c.-875G>A (NM_001347705.2); c.-920G>A (NM_001347706.2); c.-921G>A (NM_001347707.2); c.-909G>A (NM_001347708.2).
Identifiers: ClinVar variation 362709 (VCV000362709.6), dbSNP rs78426134, ClinGen allele CA10630835.
Genomic context (GRCh38, chr8:27,479,135, plus strand): 5'-TTTTCCTGGGGCTGTCCAGCTCTGGCAGCCAGAACGGCTTCATGCAGGTGCCACTGAGGA[C>T]AGCCCAGGCAGCCCAGCACAAGCGATTCTGCAGGTGAAACCCAAGCCTGGCCCCAGGAGG-3'

ClinVar aggregate classification (germline): Benign. Review status: criteria provided, multiple submitters, no conflicts (2 of 4 stars). 2 submissions from 2 submitters: Benign (2). Last evaluated 2018-01-13.

Conditions:
Autosomal dominant nocturnal frontal lobe epilepsy 4. Also called: EPILEPSY, FAMILIAL, WITH NOCTURNAL WANDERING AND ICTAL FEAR; CHRNA2-Related Nocturnal Frontal Lobe Epilepsy, Autosomal Dominant. Identifiers: Orphanet 98784, MedGen C1835905, MONDO:0012474, OMIM 610353.

Allele frequency attached by ClinVar (database versions not stated): gnomAD exomes 0.00385; TOPMed 0.02898; 1000 Genomes Project 0.03015; 1000 Genomes Project 30x 0.03186.
gnomAD v4.1: 3,880 of 152,460 alleles (2.5%); highest among the groups gnomAD compares: African/African-American, 8.6%; 172 homozygotes.

Submissions (2):

Illumina Laboratory Services, Illumina
Classification: Benign for Autosomal dominant nocturnal frontal lobe epilepsy 4. Last evaluated: 2018-01-13. Review status: criteria provided, single submitter. Criteria: ICSL Variant Classification Criteria 13 December 2019. Collection method: clinical testing. Allele origin: germline.
Comment: This variant was observed in the ICSL laboratory as part of a predisposition screen in an ostensibly healthy population. It had not been previously curated by ICSL or reported in the Human Gene Mutation Database (HGMD: prior to June 1st, 2018), and was therefore a candidate for classification through an automated scoring system. Utilizing variant allele frequency, disease prevalence and penetrance estimates, and inheritance mode, an automated score was calculated to assess if this variant is too frequent to cause the disease. Based on the score and internal cut-off values, a variant classified as benign is not then subjected to further curation. The score for this variant resulted in a classification of benign for this disease.

Breakthrough Genomics
Classification: Benign. Review status: criteria provided, single submitter. Criteria: ACMG Guidelines, 2015. Collection method: not provided. Allele origin: germline. Inheritance: Autosomal dominant inheritance. Affected: yes.